The following is an entry in ClinVar:

ClinVar aggregate classification (germline): Pathogenic. Review status: criteria provided, multiple submitters, no conflicts (2 of 4 stars). 2 submissions from 2 submitters: Pathogenic (2). Last evaluated 2024-06-22.

Conditions:
Inborn genetic diseases. Identifiers: MedGen C0950123, MeSH D030342.
Cortical dysplasia-focal epilepsy syndrome (PTHSL1). Also called: Pitt-Hopkins-like syndrome 1. Identifiers: Orphanet 163681, Orphanet 221150, MedGen C2750246, MONDO:0012400, OMIM 610042.

Submissions (2):

Labcorp Genetics (formerly Invitae), Labcorp
Classification: Pathogenic for Cortical dysplasia-focal epilepsy syndrome. Last evaluated: 2024-06-22. Review status: criteria provided, single submitter. Criteria: Invitae Variant Classification Sherloc (09022015). Collection method: clinical testing. Allele origin: germline.
Comment: This sequence change creates a premature translational stop signal (p.Gln1186Profs*61) in the CNTNAP2 gene. It is expected to result in an absent or disrupted protein product. Loss-of-function variants in CNTNAP2 are known to be pathogenic (PMID: 19896112, 21827697, 25045150, 26843181, 27439707). This variant is not present in population databases (gnomAD no frequency). This variant has not been reported in the literature in individuals affected with CNTNAP2-related conditions. ClinVar contains an entry for this variant (Variation ID: 986088). For these reasons, this variant has been classified as Pathogenic.

Ambry Genetics
Classification: Pathogenic for Inborn genetic diseases. Last evaluated: 2017-12-12. Review status: criteria provided, single submitter. Criteria: Ambry exome assertion method (8-5-2015). Collection method: clinical testing. Allele origin: germline. Affected: yes. Observed: 1 variant allele.

Literature cited by the submitters: PubMed 19896112 (cited by Labcorp Genetics (formerly Invitae), Labcorp); PubMed 21827697 (cited by Labcorp Genetics (formerly Invitae), Labcorp); PubMed 25045150 (cited by Labcorp Genetics (formerly Invitae), Labcorp); PubMed 26843181 (cited by Labcorp Genetics (formerly Invitae), Labcorp); PubMed 27439707 (cited by Labcorp Genetics (formerly Invitae), Labcorp).

NM_014141.6(CNTNAP2):c.3556dup (p.Gln1186fs)

Gene: CNTNAP2 (contactin associated protein 2; plus strand). Cytogenetic location: 7q36.1.
Variant type: Duplication.
Coding change: c.3556dup on transcript NM_014141.6 (MANE Select); coding-DNA position 3556, one base duplicated (C; older notation c.3556dupC).
Protein change: p.Gln1186fs; shifts the reading frame from glutamine 1186.
Molecular consequence: frameshift variant.
Genome position (GRCh38, 1-based): chr7:148,383,729, C duplicated; the last of 2 consecutive C bases (chr7:148,383,728-148,383,729); duplicating either gives the same sequence. VCF-style (leftmost placement, unchanged base first): chr7-148383727-A-AC. GRCh37 (hg19) VCF-style: chr7-148080819-A-AC.
Other names: short protein forms Q1186fs.
Identifiers: ClinVar variation 986088 (VCV000986088.6), dbSNP rs772883080, ClinGen allele CA4546694.